The following is an entry in ClinVar:

ClinVar aggregate classification (germline): Likely benign. Review status: criteria provided, multiple submitters, no conflicts (2 of 4 stars). 3 submissions from 3 submitters: Likely benign (3). Last evaluated 2025-12-02.

Conditions:
Dilated cardiomyopathy 1G (CMD1G). Identifiers: Orphanet 154, MedGen C1858763, MONDO:0011400, OMIM 604145.
Autosomal recessive limb-girdle muscular dystrophy type 2J (LGMDR10). Also called: Limb-girdle muscular dystrophy, type 2J; MUSCULAR DYSTROPHY, LIMB-GIRDLE, AUTOSOMAL RECESSIVE 10. Identifiers: Orphanet 140922, MedGen C1837342, MONDO:0012127, OMIM 608807.
Cardiovascular phenotype. Identifiers: MedGen CN230736.

Allele frequency attached by ClinVar (database versions not stated): gnomAD exomes below 0.00001; ExAC 0.00001.
gnomAD v4.1: 1 of 1,613,160 alleles (0.000062%); highest among the groups gnomAD compares: East Asian, 0.0022%; no homozygotes.

Submissions (3):

Labcorp Genetics (formerly Invitae), Labcorp
Classification: Likely benign for Dilated cardiomyopathy 1G; Autosomal recessive limb-girdle muscular dystrophy type 2J. Last evaluated: 2025-12-02. Review status: criteria provided, single submitter. Criteria: Invitae Variant Classification Sherloc (09022015). Collection method: clinical testing. Allele origin: germline.

Ambry Genetics
Classification: Likely benign for Cardiovascular phenotype. Last evaluated: 2025-03-23. Review status: criteria provided, single submitter. Criteria: Ambry Variant Classification Scheme 2023. Collection method: clinical testing. Allele origin: germline.

GeneDx
Classification: Likely benign. Last evaluated: 2017-06-09. Review status: criteria provided, single submitter. Criteria: GeneDx Variant Classification (06012015). Collection method: clinical testing. Allele origin: germline. Affected: yes.
Comment: This variant is considered likely benign or benign based on one or more of the following criteria: it is a conservative change, it occurs at a poorly conserved position in the protein, it is predicted to be benign by multiple in silico algorithms, and/or has population frequency not consistent with disease.

NM_001267550.2(TTN):c.90882G>A (p.Glu30294=)

Genes: TTN-AS1 (TTN antisense RNA 1; plus strand), TTN (titin; minus strand). Cytogenetic location: 2q31.2.
Variant type: single nucleotide variant.
Coding change: c.90882G>A on transcript NM_001267550.2 (MANE Select); coding-DNA position 90882, G replaced by A.
Protein change: p.Glu30294=; no amino-acid change (glutamic acid 30294 retained).
Molecular consequence: synonymous variant.
Genome position (GRCh38, 1-based): chr2:178,552,018, C>T on the plus strand (G>A on the coding strand, the complement: TTN is on the minus strand). VCF-style: chr2-178552018-C-T. GRCh37 (hg19) VCF-style: chr2-179416745-C-T.
Other names: c.85959G>A, p.Glu28653= (NM_001256850.1); c.63687G>A, p.Glu21229= (NM_003319.4); c.83178G>A, p.Glu27726= (NM_133378.4); c.64062G>A, p.Glu21354= (NM_133432.3); c.64263G>A, p.Glu21421= (NM_133437.4).
Identifiers: ClinVar variation 517970 (VCV000517970.3), dbSNP rs760292453, ClinGen allele CA1987731.